The following is an entry in ClinVar:

ClinVar aggregate classification (germline): Uncertain significance (1 of 4 stars; one submission).

Conditions:
Hereditary spastic paraplegia 28. Also called: Spastic paraplegia 28, autosomal recessive. Identifiers: Orphanet 101008, MedGen C1836295, MONDO:0012256, OMIM 609340.

Submission:

Labcorp Genetics (formerly Invitae), Labcorp
Classification: Uncertain significance for Hereditary spastic paraplegia 28. Last evaluated: 2024-10-25. Review status: criteria provided, single submitter. Criteria: Invitae Variant Classification Sherloc (09022015). Collection method: clinical testing. Allele origin: germline.
Comment: This sequence change replaces glycine, which is neutral and non-polar, with valine, which is neutral and non-polar, at codon 207 of the DDHD1 protein (p.Gly207Val). This variant is not present in population databases (gnomAD no frequency). This variant has not been reported in the literature in individuals affected with DDHD1-related conditions. ClinVar contains an entry for this variant (Variation ID: 2007191). Invitae Evidence Modeling of protein sequence and biophysical properties (such as structural, functional, and spatial information, amino acid conservation, physicochemical variation, residue mobility, and thermodynamic stability) indicates that this missense variant is not expected to disrupt DDHD1 protein function with a negative predictive value of 80%. In summary, the available evidence is currently insufficient to determine the role of this variant in disease. Therefore, it has been classified as a Variant of Uncertain Significance.

NM_001160148.2(DDHD1):c.620G>T (p.Gly207Val)

Gene: DDHD1 (DDHD domain containing 1; minus strand). Cytogenetic location: 14q22.1.
Variant type: single nucleotide variant.
Coding change: c.620G>T on transcript NM_001160148.2 (MANE Select); coding-DNA position 620, G replaced by T.
Protein change: p.Gly207Val; replaces glycine 207 with valine.
Molecular consequence: missense variant.
Genome position (GRCh38, 1-based): chr14:53,152,479, C>A on the plus strand (G>T on the coding strand, the complement: DDHD1 is on the minus strand). VCF-style: chr14-53152479-C-A. GRCh37 (hg19) VCF-style: chr14-53619197-C-A.
Other names: c.620G>T, p.Gly207Val (NM_001160147.2, NM_030637.3); short protein forms G207V.
Identifiers: ClinVar variation 2007191 (VCV002007191.4), dbSNP rs754012753, ClinGen allele CA389780353.